The following is an entry in ClinVar:

NM_001372.4(DNAH9):c.12640G>T (p.Gly4214Cys)

Gene: DNAH9 (dynein axonemal heavy chain 9; plus strand). Cytogenetic location: 17p12.
Variant type: single nucleotide variant.
Coding change: c.12640G>T on transcript NM_001372.4 (MANE Select); coding-DNA position 12640, G replaced by T.
Protein change: p.Gly4214Cys; replaces glycine 4214 with cysteine.
Molecular consequence: missense variant.
Genome position (GRCh38, 1-based): chr17:11,937,502, G>T. VCF-style: chr17-11937502-G-T. GRCh37 (hg19) VCF-style: chr17-11840819-G-T.
Other names: p.Gly4214Cys; c.1576G>T, p.Gly526Cys (NM_004662.2); short protein forms G4214C, G526C.
Identifiers: ClinVar variation 1643256 (VCV001643256.39), dbSNP rs144547132, ClinGen allele CA8398206.
Genomic context (GRCh38, chr17:11,937,502, plus strand): 5'-AAGCTCTTCCGCACTGTGCTGGAGCTGCAGCCTCGGGACAGCCAGGCCAGAGACGGAGCG[G>T]GCGCCACAAGAGAAGAAAAGGTGTGTGTGGTGGGGACTGCCTGAGGTCGTTCTGGGGGAC-3'
Protein context (NP_001363.2, residues 4204-4224): PRDSQARDGA[Gly4214Cys]ATREEKVKAL

ClinVar aggregate classification (germline): Conflicting classifications of pathogenicity. Review status: criteria provided, conflicting classifications (1 of 4 stars). 7 submissions from 7 submitters: Uncertain significance (2); Benign (2); Likely benign (2). 1 of the submissions does not count toward it. Last evaluated 2026-08-01.

Conditions:
Ciliary dyskinesia, primary, 40. Also called: CILIARY DYSKINESIA, PRIMARY, 40, WITH OR WITHOUT SITUS INVERSUS. Identifiers: MedGen C4749028, MONDO:0032664, OMIM 618300.
DNAH9-related disorder. Also called: DNAH9-related condition.

Allele frequency attached by ClinVar (database versions not stated): 1000 Genomes Project 0.00180; gnomAD 0.00180 and 0.00193; ESP Exome Variant Server 0.00208; 1000 Genomes Project 30x 0.00219; ExAC 0.00237; gnomAD exomes 0.00252.
gnomAD v4.1: 4,609 of 1,612,812 alleles (0.29%); highest among the groups gnomAD compares: Middle Eastern, 1.1%; 17 homozygotes.

Submissions (7):

CeGaT Center for Human Genetics Tuebingen
Classification: Likely benign. Last evaluated: 2026-08-01. Review status: criteria provided, single submitter. Criteria: CeGaT Center For Human Genetics Tuebingen Variant Classification Criteria Version 2. Collection method: clinical testing. Allele origin: germline. Affected: yes. Observed: 2 variant alleles.
Comment: DNAH9: BP4, BS2

Labcorp Genetics (formerly Invitae), Labcorp
Classification: Benign. Last evaluated: 2026-01-25. Review status: criteria provided, single submitter. Criteria: Invitae Variant Classification Sherloc (09022015). Collection method: clinical testing. Allele origin: germline.

Blueprint Genetics
Classification: Likely benign. Last evaluated: 2024-11-18. Review status: criteria provided, single submitter. Criteria: ACMG Guidelines, 2015. Collection method: clinical testing. Allele origin: germline.

Genetics and Molecular Pathology, SA Pathology
Classification: Uncertain significance for Ciliary dyskinesia, primary, 40. Last evaluated: 2020-10-15. Review status: criteria provided, single submitter. Criteria: ACMG Guidelines, 2015. Collection method: clinical testing. Allele origin: germline. Inheritance: Autosomal recessive inheritance. Affected: yes.

Breakthrough Genomics
Classification: Benign. Review status: criteria provided, single submitter. Criteria: ACMG Guidelines, 2015. Collection method: not provided. Allele origin: germline. Inheritance: Autosomal recessive inheritance. Affected: yes.

Foundation for Research in Genetics and Endocrinology, FRIGE's Institute of Human Genetics
Classification: Uncertain significance for Ciliary dyskinesia, primary, 40. Review status: criteria provided, single submitter. Criteria: ACMG Guidelines, 2015. Collection method: clinical testing. Allele origin: germline. Inheritance: Autosomal recessive inheritance. Affected: yes. Observed: 1 heterozygote.
Comment: A heterozygous missense variant in exon 63 of the DNAH9 gene that results in substitution of serine was detected.Simultaneously, another heterozygous missense variant in exon 66 of the DNAH9 gene that results in substitution of cystine was detected. Variant c.12047A>G and c.12640G>T were detected with minor allele frequency of 0.1% and 0.25% in the gnomAD database, respectively. In silico prediction suggests both variants to be damaging by SIFT, PolyPhen, MutationTaster and CADD.

PreventionGenetics, part of Exact Sciences
Classification: Benign for DNAH9-related condition. Last evaluated: 2019-06-12. Review status: no assertion criteria provided. Collection method: clinical testing. Allele origin: germline. Not counted in ClinVar's aggregate classification.
Comment: This variant is classified as benign based on ACMG/AMP sequence variant interpretation guidelines (Richards et al. 2015 PMID: 25741868, with internal and published modifications).